The following is an entry in ClinVar:

ClinVar aggregate classification (germline): Uncertain significance (1 of 4 stars; one submission).

Conditions:
D-2-hydroxyglutaric aciduria 2 (D2HGA2). Identifiers: Orphanet 79315, MedGen C3150909, MONDO:0013345, OMIM 613657.

Allele frequency attached by ClinVar (database versions not stated): gnomAD 0.00001.

Submission:

Labcorp Genetics (formerly Invitae), Labcorp
Classification: Uncertain significance for D-2-hydroxyglutaric aciduria 2. Last evaluated: 2024-02-23. Review status: criteria provided, single submitter. Criteria: Invitae Variant Classification Sherloc (09022015). Collection method: clinical testing. Allele origin: germline.
Comment: This sequence change replaces threonine, which is neutral and polar, with serine, which is neutral and polar, at codon 30 of the IDH2 protein (p.Thr30Ser). This variant is not present in population databases (gnomAD no frequency). This variant has not been reported in the literature in individuals affected with IDH2-related conditions. ClinVar contains an entry for this variant (Variation ID: 2181580). Algorithms developed to predict the effect of missense changes on protein structure and function output the following: SIFT: "Not Available"; PolyPhen-2: "Benign"; Align-GVGD: "Not Available". The serine amino acid residue is found in multiple mammalian species, which suggests that this missense change does not adversely affect protein function. In summary, the available evidence is currently insufficient to determine the role of this variant in disease. Therefore, it has been classified as a Variant of Uncertain Significance.

NM_002168.4(IDH2):c.88A>T (p.Thr30Ser)

Genes: IDH2 (isocitrate dehydrogenase (NADP(+)) 2; minus strand), IDH2-DT (IDH2 divergent transcript; plus strand). Cytogenetic location: 15q26.1.
Variant type: single nucleotide variant.
Coding change: c.88A>T on transcript NM_002168.4 (MANE Select); coding-DNA position 88, A replaced by T.
Protein change: p.Thr30Ser; replaces threonine 30 with serine.
Molecular consequence: missense variant. On other transcripts: non-coding transcript variant (1), 5 prime UTR variant (1).
Genome position (GRCh38, 1-based): chr15:90,102,303, T>A on the plus strand (A>T on the coding strand, the complement: IDH2 is on the minus strand). VCF-style: chr15-90102303-T-A. GRCh37 (hg19) VCF-style: chr15-90645535-T-A.
Other names: c.-45A>T (NM_001290114.2); short protein forms T30S.
Identifiers: ClinVar variation 2181580 (VCV002181580.4), dbSNP rs1435460437, ClinGen allele CA393803527.